The following is an entry in ClinVar:

ClinVar aggregate classification (germline): Uncertain significance (1 of 4 stars; one submission).

Conditions:
Inborn genetic diseases. Identifiers: MedGen C0950123, MeSH D030342.

gnomAD v4.1: 1 of 1,614,038 alleles (0.000062%); highest among the groups gnomAD compares: East Asian, 0.0022%; no homozygotes.

Submission:

Ambry Genetics
Classification: Uncertain significance for Inborn genetic diseases. Last evaluated: 2026-07-07. Review status: criteria provided, single submitter. Criteria: Ambry Variant Classification Scheme 2023. Collection method: clinical testing. Allele origin: germline.
Comment: The p.N243S variant (also known as c.728A>G), located in coding exon 5 of the ETV6 gene, results from an A to G substitution at nucleotide position 728. The asparagine at codon 243 is replaced by serine, an amino acid with highly similar properties. This amino acid position is conserved. In addition, this alteration is predicted to be tolerated by in silico analysis. Based on the available evidence, the clinical significance of this variant remains unclear.

NM_001987.5(ETV6):c.728A>G (p.Asn243Ser)

Gene: ETV6 (ETS variant transcription factor 6; plus strand). Cytogenetic location: 12p13.2.
Variant type: single nucleotide variant.
Coding change: c.728A>G on transcript NM_001987.5 (MANE Select); coding-DNA position 728, A replaced by G.
Protein change: p.Asn243Ser; replaces asparagine 243 with serine.
Molecular consequence: missense variant.
Genome position (GRCh38, 1-based): chr12:11,869,688, A>G. VCF-style: chr12-11869688-A-G. GRCh37 (hg19) VCF-style: chr12-12022622-A-G.
Other names: c.725A>G, p.Asn242Ser (NM_001413913.1); c.701A>G, p.Asn234Ser (NM_001413914.1); c.464A>G, p.Asn155Ser (NM_001413915.1); c.728A>G, p.Asn243Ser (NM_001413916.1, NM_001413917.1); short protein forms N155S, N234S, N243S, N242S.
Identifiers: ClinVar variation 5036195 (VCV005036195.1).